The following is an entry in ClinVar:

NM_015656.2(KIF26A):c.5441T>G (p.Leu1814Arg)

Gene: KIF26A (kinesin family member 26A; plus strand). Cytogenetic location: 14q32.33.
Variant type: single nucleotide variant.
Coding change: c.5441T>G on transcript NM_015656.2 (MANE Select); coding-DNA position 5441, T replaced by G.
Protein change: p.Leu1814Arg; replaces leucine 1814 with arginine.
Molecular consequence: missense variant.
Genome position (GRCh38, 1-based): chr14:104,179,360, T>G. VCF-style: chr14-104179360-T-G. GRCh37 (hg19) VCF-style: chr14-104645697-T-G.
Other names: short protein forms L1814R.
Identifiers: ClinVar variation 3253034 (VCV003253034.1), dbSNP rs2511496113.

ClinVar aggregate classification (germline): Uncertain significance (1 of 4 stars; one submission).

Allele frequency attached by ClinVar (database versions not stated): gnomAD exomes below 0.00001.
gnomAD v4.1: 6 of 1,535,332 alleles (0.00039%); highest among the groups gnomAD compares: Non-Finnish European, 0.00044%; no homozygotes.

Submission:

GeneDx
Classification: Uncertain significance. Last evaluated: 2023-10-05. Review status: criteria provided, single submitter. Criteria: GeneDx Variant Classification Process June 2021. Collection method: clinical testing. Allele origin: germline. Affected: yes.
Comment: Has not been previously published as pathogenic or benign to our knowledge; Not observed at significant frequency in large population cohorts (gnomAD); In silico analysis supports that this missense variant has a deleterious effect on protein structure/function